The following is an entry in ClinVar:

NM_001830.4(CLCN4):c.1040C>A (p.Thr347Asn)

Gene: CLCN4 (chloride voltage-gated channel 4; plus strand). Cytogenetic location: Xp22.2.
Variant type: single nucleotide variant.
Coding change: c.1040C>A on transcript NM_001830.4 (MANE Select); coding-DNA position 1040, C replaced by A.
Protein change: p.Thr347Asn; replaces threonine 347 with asparagine.
Molecular consequence: missense variant.
Genome position (GRCh38, 1-based): chrX:10,208,241, C>A. VCF-style: chrX-10208241-C-A. GRCh37 (hg19) VCF-style: chrX-10176281-C-A.
Other names: c.758C>A, p.Thr253Asn (NM_001256944.2); short protein forms T253N, T347N.
Identifiers: ClinVar variation 2662318 (VCV002662318.4), dbSNP rs1924445711, ClinGen allele CA412037720.

ClinVar aggregate classification (germline): Uncertain significance. Review status: criteria provided, multiple submitters, no conflicts (2 of 4 stars). 2 submissions from 2 submitters: Uncertain significance (2). Last evaluated 2023-09-19.

Allele frequency attached by ClinVar (database versions not stated): gnomAD exomes below 0.00001; TOPMed 0.00001.
gnomAD v4.1: 1 of 1,211,345 alleles (0.000083%); highest among the groups gnomAD compares: Non-Finnish European, 0.00011%; no homozygotes.

Submissions (2):

Labcorp Genetics (formerly Invitae), Labcorp
Classification: Uncertain significance. Last evaluated: 2023-09-19. Review status: criteria provided, single submitter. Criteria: Invitae Variant Classification Sherloc (09022015). Collection method: clinical testing. Allele origin: germline.
Comment: This sequence change replaces threonine, which is neutral and polar, with asparagine, which is neutral and polar, at codon 347 of the CLCN4 protein (p.Thr347Asn). This variant is not present in population databases (gnomAD no frequency). This variant has not been reported in the literature in individuals affected with CLCN4-related conditions. Advanced modeling of protein sequence and biophysical properties (such as structural, functional, and spatial information, amino acid conservation, physicochemical variation, residue mobility, and thermodynamic stability) has been performed at Invitae for this missense variant, however the output from this modeling did not meet the statistical confidence thresholds required to predict the impact of this variant on CLCN4 protein function. In summary, the available evidence is currently insufficient to determine the role of this variant in disease. Therefore, it has been classified as a Variant of Uncertain Significance.

GeneDx
Classification: Uncertain significance. Last evaluated: 2023-05-18. Review status: criteria provided, single submitter. Criteria: GeneDx Variant Classification Process June 2021. Collection method: clinical testing. Allele origin: germline. Affected: yes.
Comment: Not observed at significant frequency in large population cohorts (gnomAD); In silico analysis supports that this missense variant has a deleterious effect on protein structure/function; Has not been previously published as pathogenic or benign to our knowledge